The following is an entry in ClinVar:

NM_000271.5(NPC1):c.3406G>A (p.Val1136Ile)

Gene: NPC1 (NPC intracellular cholesterol transporter 1; minus strand). Cytogenetic location: 18q11.2.
Variant type: single nucleotide variant.
Coding change: c.3406G>A on transcript NM_000271.5 (MANE Select); coding-DNA position 3406, G replaced by A.
Protein change: p.Val1136Ile; replaces valine 1136 with isoleucine.
Molecular consequence: missense variant.
Genome position (GRCh38, 1-based): chr18:23,535,540, C>T on the plus strand (G>A on the coding strand, the complement: NPC1 is on the minus strand). VCF-style: chr18-23535540-C-T. GRCh37 (hg19) VCF-style: chr18-21115504-C-T.
Other names: short protein forms V1136I.
Identifiers: ClinVar variation 1995790 (VCV001995790.4), dbSNP rs2511189809, ClinGen allele CA401791273.

ClinVar aggregate classification (germline): Uncertain significance (1 of 4 stars; one submission).

Conditions:
Niemann-Pick disease, type C1. Also called: NIEMANN-PICK DISEASE, VARIANT TYPE C1; NEUROVISCERAL STORAGE DISEASE WITH VERTICAL SUPRANUCLEAR OPHTHALMOPLEGIA; NIEMANN-PICK DISEASE WITH CHOLESTEROL ESTERIFICATION BLOCK; NIEMANN-PICK DISEASE WITHOUT SPHINGOMYELINASE DEFICIENCY; NIEMANN-PICK DISEASE, CHRONIC NEURONOPATHIC FORM. Identifiers: Orphanet 646, MedGen C3179455, MONDO:0009757, OMIM 257220.

gnomAD v4.1: 2 of 1,614,064 alleles (0.00012%); highest among the groups gnomAD compares: Non-Finnish European, 0.00017%; no homozygotes.

Submission:

Labcorp Genetics (formerly Invitae), Labcorp
Classification: Uncertain significance for Niemann-Pick disease, type C1. Last evaluated: 2022-05-28. Review status: criteria provided, single submitter. Criteria: Invitae Variant Classification Sherloc (09022015). Collection method: clinical testing. Allele origin: germline.
Comment: This variant has not been reported in the literature in individuals affected with NPC1-related conditions. In summary, the available evidence is currently insufficient to determine the role of this variant in disease. Therefore, it has been classified as a Variant of Uncertain Significance. Advanced modeling of protein sequence and biophysical properties (such as structural, functional, and spatial information, amino acid conservation, physicochemical variation, residue mobility, and thermodynamic stability) performed at Invitae indicates that this missense variant is not expected to disrupt NPC1 protein function. This variant is not present in population databases (gnomAD no frequency). This sequence change replaces valine, which is neutral and non-polar, with isoleucine, which is neutral and non-polar, at codon 1136 of the NPC1 protein (p.Val1136Ile).